The following is an entry in ClinVar:

ClinVar aggregate classification (germline): Pathogenic (1 of 4 stars; one submission).

Allele frequency attached by ClinVar (database versions not stated): gnomAD exomes below 0.00001.
gnomAD v4.1: 1 of 1,614,198 alleles (0.000062%); highest among the groups gnomAD compares: Non-Finnish European, 0.000085%; no homozygotes.

Submission:

Labcorp Genetics (formerly Invitae), Labcorp
Classification: Pathogenic. Last evaluated: 2025-09-15. Review status: criteria provided, single submitter. Criteria: Invitae Variant Classification Sherloc (09022015). Collection method: clinical testing. Allele origin: germline.
Comment: This sequence change creates a premature translational stop signal (p.Trp784*) in the MERTK gene. It is expected to result in an absent or disrupted protein product. Loss-of-function variants in MERTK are known to be pathogenic (PMID: 24265693, 29659094). This variant is not present in population databases (gnomAD no frequency). This variant has not been reported in the literature in individuals affected with MERTK-related conditions. ClinVar contains an entry for this variant (Variation ID: 1378327). For these reasons, this variant has been classified as Pathogenic.

Literature cited by the submitters: PubMed 24265693; PubMed 29659094.

NM_006343.3(MERTK):c.2352G>A (p.Trp784Ter)

Gene: MERTK (MER proto-oncogene, tyrosine kinase; plus strand). Cytogenetic location: 2q13.
Variant type: single nucleotide variant.
Coding change: c.2352G>A on transcript NM_006343.3 (MANE Select); coding-DNA position 2352, G replaced by A.
Protein change: p.Trp784Ter; replaces tryptophan 784 with a stop codon.
Molecular consequence: nonsense.
Genome position (GRCh38, 1-based): chr2:112,022,260, G>A. VCF-style: chr2-112022260-G-A. GRCh37 (hg19) VCF-style: chr2-112779837-G-A.
Other names: short protein forms W784*.
Identifiers: ClinVar variation 1378327 (VCV001378327.6), dbSNP rs2104424446, ClinGen allele CA348239814.
Genomic context (GRCh38, chr2:112,022,260, plus strand): 5'-GTCCATTCAGGCTTTGTGGAAAGGCTTGCATCCTAACTTGTTGTTGCTTTGTTCCCAGTG[G>A]GCATTTGGCGTGACCATGTGGGAAATAGCTACGCGGGGAATGACTCCCTATCCTGGGGTC-3'